The following is an entry in ClinVar:

NM_000548.5(TSC2):c.*5G>A

Gene: TSC2 (TSC complex subunit 2; plus strand). Cytogenetic location: 16p13.3.
Variant type: single nucleotide variant.
Coding change: c.*5G>A on transcript NM_000548.5 (MANE Select); 5 bases downstream of the stop codon, G replaced by A.
Molecular consequence: 3 prime UTR variant.
Genome position (GRCh38, 1-based): chr16:2,088,615, G>A. VCF-style: chr16-2088615-G-A. GRCh37 (hg19) VCF-style: chr16-2138616-G-A.
Other names: c.*5G>A (NM_001077183.3, NM_001114382.3, NM_001318827.2 and 8 more transcripts).
Identifiers: ClinVar variation 184450 (VCV000184450.18), dbSNP rs201342697, ClinGen allele CA022652.

ClinVar aggregate classification (germline): Conflicting classifications of pathogenicity. Review status: criteria provided, conflicting classifications (1 of 4 stars). 5 submissions from 5 submitters: Uncertain significance (1); Benign (1); Likely benign (2). 1 of the submissions does not count toward it. Last evaluated 2025-06-09.

Conditions:
TSC2-related disorder. Also called: TSC2-Related Disorders; TSC2-related condition.
Hereditary cancer-predisposing syndrome. Also called: Tumor predisposition; Hereditary Cancer Syndrome; Hereditary neoplastic syndrome; Neoplastic Syndromes, Hereditary. Identifiers: Orphanet 140162, MedGen C0027672, MeSH D009386, MONDO:0015356.
Tuberous sclerosis 2 (TSC2). Identifiers: Orphanet 805, MedGen C1860707, MONDO:0013199, OMIM 613254.

Allele frequency attached by ClinVar (database versions not stated): ExAC 0.00007; TOPMed 0.00008; gnomAD 0.00010 and 0.00013; ESP Exome Variant Server 0.00015; 1000 Genomes Project 30x 0.00047; 1000 Genomes Project 0.00060.
gnomAD v4.1: 72 of 1,600,050 alleles (0.0045%); highest among the groups gnomAD compares: South Asian, 0.034%; no homozygotes.

Submissions (5):

Myriad Genetics, Inc.
Classification: Benign for Tuberous sclerosis 2. Last evaluated: 2025-06-09. Review status: criteria provided, single submitter. Criteria: Myriad Autosomal Dominant, Autosomal Recessive and X-Linked Classification Criteria (2023). Collection method: clinical testing. Allele origin: unknown.
Comment: This variant is considered benign. This variant occurs in the non-coding 3' untranslated region of the gene, and is not expected to impact protein function.

GeneDx
Classification: Likely benign. Last evaluated: 2024-09-25. Review status: criteria provided, single submitter. Criteria: GeneDx Variant Classification Process June 2021. Collection method: clinical testing. Allele origin: germline. Affected: yes.
Comment: See Variant Classification Assertion Criteria.

Genome-Nilou Lab
Classification: Likely benign for Tuberous sclerosis 2. Last evaluated: 2021-11-07. Review status: criteria provided, single submitter. Criteria: ACMG Guidelines, 2015. Collection method: clinical testing. Allele origin: germline. Affected: no.

Ambry Genetics
Classification: Uncertain significance for Hereditary cancer-predisposing syndrome. Last evaluated: 2016-09-14. Review status: criteria provided, single submitter. Criteria: Ambry Variant Classification Scheme 2023. Collection method: clinical testing. Allele origin: germline.
Comment: The c.*5G>A variant is located in the 3' untranslated region (3&rsquo; UTR) of the TSC2 gene. This variant results from a G to A substitution 5 nucleotides after the last translated codon. This variant was previously reported in the SNPDatabase as rs201342697. Based on data from the 1000 Genomes Project, the A allele has an overall frequency of approximately 0.05% (1/2098) total alleles studied. The highest observed frequency was 0.59% (1/170) British alleles. Based on data from the NHLBI Exome Sequencing Project (ESP), the A allele has an overall frequency of approximately 0.02% (2/12974) total alleles studied, having been observed in 0.05% (2/4382) African American alleles. To date, this alteration has been detected with an allele frequency of approximately 0.02% (greater than 20000 alleles tested) in our clinical cohort. This nucleotide position is highly conserved in available vertebrate species. Since supporting evidence is limited at this time, the clinical significance of c.*5G>A remains unclear.

PreventionGenetics, part of Exact Sciences
Classification: Likely benign for TSC2-related condition. Last evaluated: 2023-11-08. Review status: no assertion criteria provided. Collection method: clinical testing. Allele origin: germline. Not counted in ClinVar's aggregate classification.
Comment: This variant is classified as likely benign based on ACMG/AMP sequence variant interpretation guidelines (Richards et al. 2015 PMID: 25741868, with internal and published modifications).